The following is an entry in ClinVar:

NM_004366.6(CLCN2):c.1183G>A (p.Glu395Lys)

Gene: CLCN2 (chloride voltage-gated channel 2; minus strand). Cytogenetic location: 3q27.1.
Variant type: single nucleotide variant.
Coding change: c.1183G>A on transcript NM_004366.6 (MANE Select); coding-DNA position 1183, G replaced by A.
Protein change: p.Glu395Lys; replaces glutamic acid 395 with lysine.
Molecular consequence: missense variant.
Genome position (GRCh38, 1-based): chr3:184,355,517, C>T on the plus strand (G>A on the coding strand, the complement: CLCN2 is on the minus strand). VCF-style: chr3-184355517-C-T. GRCh37 (hg19) VCF-style: chr3-184073305-C-T.
Other names: c.1183G>A, p.Glu395Lys (NM_001171087.3, NM_001171089.3); c.1051G>A, p.Glu351Lys (NM_001171088.3); short protein forms E395K, E351K.
Identifiers: ClinVar variation 3589022 (VCV003589022.2).
Genomic context (GRCh38, chr3:184,355,517, plus strand): 5'-GCTCCTCCACCAGGCCCTGGCGGACCCACGTCCGATTGTCAAACAGGGTGACCAGCGTCT[C>T]TTTCTGTGAGAGCTAGAGTGAACAGGGTGCCTCAGGCTGGGAAACCGACAGGATGAAGGG-3'
Protein context (NP_004357.3, residues 385-405): QFMAGQLSQK[Glu395Lys]TLVTLFDNRT

ClinVar aggregate classification (germline): Uncertain significance. Review status: criteria provided, multiple submitters, no conflicts (2 of 4 stars). 2 submissions from 2 submitters: Uncertain significance (2). Last evaluated 2025-06-27.

Conditions:
Epilepsy, idiopathic generalized, susceptibility to, 11 (EIG11). Identifiers: Orphanet 307, MedGen C2750893, MONDO:0011875, OMIM 607628.
Leukoencephalopathy with mild cerebellar ataxia and white matter edema (LKPAT). Also called: Leukoencephalopathy with ataxia; Leukoencephalopathy with white matter edema; Brain white matter edema; CLCN2-Related Leukoencephalopathy. Identifiers: Orphanet 363540, MedGen C4554120, MONDO:0014292, OMIM 615651. Disease mechanism: loss of function.
Familial hyperaldosteronism type II. Also called: FH II. Identifiers: Orphanet 404, MedGen C1854107, MONDO:0011576, OMIM 605635.

gnomAD v4.1: 8 of 1,613,990 alleles (0.0005%); highest among the groups gnomAD compares: African/African-American, 0.011%; no homozygotes.

Submissions (2):

Labcorp Genetics (formerly Invitae), Labcorp
Classification: Uncertain significance. Last evaluated: 2025-06-27. Review status: criteria provided, single submitter. Criteria: Invitae Variant Classification Sherloc (09022015). Collection method: clinical testing. Allele origin: germline.
Comment: This sequence change replaces glutamic acid, which is acidic and polar, with lysine, which is basic and polar, at codon 395 of the CLCN2 protein (p.Glu395Lys). This variant is present in population databases (rs146097084, gnomAD 0.008%). This variant has not been reported in the literature in individuals affected with CLCN2-related conditions. ClinVar contains an entry for this variant (Variation ID: 3589022). Invitae Evidence Modeling of protein sequence and biophysical properties (such as structural, functional, and spatial information, amino acid conservation, physicochemical variation, residue mobility, and thermodynamic stability) indicates that this missense variant is expected to disrupt CLCN2 protein function with a positive predictive value of 80%. In summary, the available evidence is currently insufficient to determine the role of this variant in disease. Therefore, it has been classified as a Variant of Uncertain Significance.

Fulgent Genetics
Classification: Uncertain significance for Familial hyperaldosteronism type II; Epilepsy, idiopathic generalized, susceptibility to, 11; Leukoencephalopathy with mild cerebellar ataxia and white matter edema. Last evaluated: 2024-06-18. Review status: criteria provided, single submitter. Criteria: ACMG Guidelines, 2015. Collection method: clinical testing. Allele origin: germline.